The following is an entry in ClinVar:

ClinVar aggregate classification (germline): Uncertain significance (1 of 4 stars; one submission).

Conditions:
Neuroblastoma, susceptibility to, 3. Also called: ALK-Related Neuroblastic Tumor Susceptibility. Identifiers: Orphanet 635, MedGen C2751681, MONDO:0013083, OMIM 613014.

Submission:

Labcorp Genetics (formerly Invitae), Labcorp
Classification: Uncertain significance for Neuroblastoma, susceptibility to, 3. Last evaluated: 2022-01-31. Review status: criteria provided, single submitter. Criteria: Invitae Variant Classification Sherloc (09022015). Collection method: clinical testing. Allele origin: germline.
Comment: In summary, the available evidence is currently insufficient to determine the role of this variant in disease. Therefore, it has been classified as a Variant of Uncertain Significance. Algorithms developed to predict the effect of missense changes on protein structure and function are either unavailable or do not agree on the potential impact of this missense change (SIFT: "Deleterious"; PolyPhen-2: "Benign"; Align-GVGD: "Class C0"). This variant has not been reported in the literature in individuals affected with ALK-related conditions. This variant is not present in population databases (gnomAD no frequency). This sequence change replaces glutamine, which is neutral and polar, with glutamic acid, which is acidic and polar, at codon 453 of the ALK protein (p.Gln453Glu).

NM_004304.5(ALK):c.1357C>G (p.Gln453Glu)

Gene: ALK (ALK receptor tyrosine kinase; minus strand). Cytogenetic location: 2p23.2.
Variant type: single nucleotide variant.
Coding change: c.1357C>G on transcript NM_004304.5 (MANE Select); coding-DNA position 1357, C replaced by G.
Protein change: p.Gln453Glu; replaces glutamine 453 with glutamic acid.
Molecular consequence: missense variant.
Genome position (GRCh38, 1-based): chr2:29,328,407, G>C on the plus strand (C>G on the coding strand, the complement: ALK is on the minus strand). VCF-style: chr2-29328407-G-C. GRCh37 (hg19) VCF-style: chr2-29551273-G-C.
Other names: short protein forms Q453E.
Identifiers: ClinVar variation 2091128 (VCV002091128.4), dbSNP rs2148258302, ClinGen allele CA346474280.
Genomic context (GRCh38, chr2:29,328,407, plus strand): 5'-CACGGCACATCTGGCTCTCATCTTCTCCCTGGGCACAGTCCTGGTGGAAGTCACAGGCCT[G>C]CCCAAGCTGGAGGACTGTCCCATTCCAACAAGTGAAGGAGCTCTGCAGGGCCATCTTGGA-3'
Protein context (NP_004295.2, residues 443-463): CWNGTVLQLG[Gln453Glu]ACDFHQDCAQ